The following is an entry in ClinVar:

NM_017807.4(OSGEP):c.649C>T (p.Arg217Trp)

Gene: OSGEP (O-sialoglycoprotein endopeptidase; minus strand). Cytogenetic location: 14q11.2.
Variant type: single nucleotide variant.
Coding change: c.649C>T on transcript NM_017807.4 (MANE Select); coding-DNA position 649, C replaced by T.
Protein change: p.Arg217Trp; replaces arginine 217 with tryptophan.
Molecular consequence: missense variant.
Genome position (GRCh38, 1-based): chr14:20,448,159, G>A on the plus strand (C>T on the coding strand, the complement: OSGEP is on the minus strand). VCF-style: chr14-20448159-G-A. GRCh37 (hg19) VCF-style: chr14-20916318-G-A.
Other names: c.649C>T (NM_017807.3); short protein forms R217W.
Identifiers: ClinVar variation 1403560 (VCV001403560.7), dbSNP rs755761410, ClinGen allele CA7081132.

ClinVar aggregate classification (germline): Uncertain significance. Review status: criteria provided, multiple submitters, no conflicts (2 of 4 stars). 2 submissions from 2 submitters: Uncertain significance (2). Last evaluated 2023-12-12.

Conditions:
Inborn genetic diseases. Identifiers: MedGen C0950123, MeSH D030342.

Allele frequency attached by ClinVar (database versions not stated): gnomAD 0.00002; TOPMed 0.00002; ExAC 0.00008; gnomAD exomes 0.00012.
gnomAD v4.1: 96 of 1,612,664 alleles (0.006%); highest among the groups gnomAD compares: South Asian, 0.062%; 1 homozygote.

Submissions (2):

Ambry Genetics
Classification: Uncertain significance for Inborn genetic diseases. Last evaluated: 2023-12-12. Review status: criteria provided, single submitter. Criteria: Ambry Variant Classification Scheme 2023. Collection method: clinical testing. Allele origin: germline.

Labcorp Genetics (formerly Invitae), Labcorp
Classification: Uncertain significance. Last evaluated: 2022-07-11. Review status: criteria provided, single submitter. Criteria: Invitae Variant Classification Sherloc (09022015). Collection method: clinical testing. Allele origin: germline.
Comment: Algorithms developed to predict the effect of missense changes on protein structure and function are either unavailable or do not agree on the potential impact of this missense change (SIFT: "Deleterious"; PolyPhen-2: "Possibly Damaging"; Align-GVGD: "Class C0"). ClinVar contains an entry for this variant (Variation ID: 1403560). This variant has not been reported in the literature in individuals affected with OSGEP-related conditions. This variant is present in population databases (rs755761410, gnomAD 0.07%). This sequence change replaces arginine, which is basic and polar, with tryptophan, which is neutral and slightly polar, at codon 217 of the OSGEP protein (p.Arg217Trp). In summary, the available evidence is currently insufficient to determine the role of this variant in disease. Therefore, it has been classified as a Variant of Uncertain Significance.